The following is an entry in ClinVar:

NM_000686.5(AGTR2):c.443A>G (p.Tyr148Cys)

Gene: AGTR2 (angiotensin II receptor type 2; plus strand). Cytogenetic location: Xq23.
Variant type: single nucleotide variant.
Coding change: c.443A>G on transcript NM_000686.5 (MANE Select); coding-DNA position 443, A replaced by G.
Protein change: p.Tyr148Cys; replaces tyrosine 148 with cysteine.
Molecular consequence: missense variant.
Genome position (GRCh38, 1-based): chrX:116,172,723, A>G. VCF-style: chrX-116172723-A-G. GRCh37 (hg19) VCF-style: chrX-115303976-A-G.
Other names: short protein forms Y148C.
Identifiers: ClinVar variation 451248 (VCV000451248.2), dbSNP rs1556673748, ClinGen allele CA414338360.

ClinVar aggregate classification (germline): Uncertain significance (1 of 4 stars; one submission).

Submission:

GeneDx
Classification: Uncertain significance. Last evaluated: 2017-08-14. Review status: criteria provided, single submitter. Criteria: GeneDx Variant Classification (06012015). Collection method: clinical testing. Allele origin: germline. Affected: yes.
Comment: The Y148C variant in the AGTR2 gene has not been reported previously as a pathogenic variant, nor as a benign variant, to our knowledge. This variant is not observed in large population cohorts (Lek et al., 2016; 1000 Genomes Consortium et al., 2015; Exome Variant Server). The Y148C variant is a non-conservative amino acid substitution, which is likely to impact secondary protein structure as these residues differ in polarity, charge, size and/or other properties. This substitution occurs at a position that is conserved in mammals. In silico analysis predicts this variant is probably damaging to the protein structure/function. We interpret Y148C as a variant of uncertain significance.